The following is an entry in ClinVar:

NM_000358.3(TGFBI):c.1221T>G (p.Ser407Arg)

Genes: TGFBI (transforming growth factor beta induced; plus strand), LOC126807519 (P300/CBP strongly-dependent group 1 enhancer GRCh37_chr5:135388921-135390120; plus strand). Cytogenetic location: 5q31.1.
Variant type: single nucleotide variant.
Coding change: c.1221T>G on transcript NM_000358.3 (MANE Select); coding-DNA position 1221, T replaced by G.
Protein change: p.Ser407Arg; replaces serine 407 with arginine.
Molecular consequence: missense variant.
Genome position (GRCh38, 1-based): chr5:136,054,037, T>G. VCF-style: chr5-136054037-T-G. GRCh37 (hg19) VCF-style: chr5-135389726-T-G.
Other names: short protein forms S407R.
Identifiers: ClinVar variation 3325709 (VCV003325709.2).

ClinVar aggregate classification (germline): Uncertain significance. Review status: criteria provided, multiple submitters, no conflicts (2 of 4 stars). 2 submissions from 2 submitters: Uncertain significance (2). Last evaluated 2025-04-15.

Conditions:
Inborn genetic diseases. Identifiers: MedGen C0950123, MeSH D030342.

gnomAD v4.1: 6 of 1,613,844 alleles (0.00037%); highest among the groups gnomAD compares: Middle Eastern, 0.017%; no homozygotes.

Submissions (2):

Labcorp Genetics (formerly Invitae), Labcorp
Classification: Uncertain significance. Last evaluated: 2025-04-15. Review status: criteria provided, single submitter. Criteria: Invitae Variant Classification Sherloc (09022015). Collection method: clinical testing. Allele origin: germline.
Comment: This sequence change replaces serine, which is neutral and polar, with arginine, which is basic and polar, at codon 407 of the TGFBI protein (p.Ser407Arg). This variant is present in population databases (rs758278795, gnomAD no frequency). This variant has not been reported in the literature in individuals affected with TGFBI-related conditions. ClinVar contains an entry for this variant (Variation ID: 3325709). Invitae Evidence Modeling of protein sequence and biophysical properties (such as structural, functional, and spatial information, amino acid conservation, physicochemical variation, residue mobility, and thermodynamic stability) indicates that this missense variant is not expected to disrupt TGFBI protein function with a negative predictive value of 80%. In summary, the available evidence is currently insufficient to determine the role of this variant in disease. Therefore, it has been classified as a Variant of Uncertain Significance.

Ambry Genetics
Classification: Uncertain significance for Inborn genetic diseases. Last evaluated: 2024-05-16. Review status: criteria provided, single submitter. Criteria: Ambry Variant Classification Scheme 2023. Collection method: clinical testing. Allele origin: germline.